The following is an entry in ClinVar:

ClinVar aggregate classification (germline): Likely benign (0 of 4 stars; one submission).

Conditions:
ACTN4-related disorder. Also called: ACTN4-related condition.

Submission:

PreventionGenetics, part of Exact Sciences
Classification: Likely benign for ACTN4-related condition. Last evaluated: 2019-11-04. Review status: no assertion criteria provided. Collection method: clinical testing. Allele origin: germline.
Comment: This variant is classified as likely benign based on ACMG/AMP sequence variant interpretation guidelines (Richards et al. 2015 PMID: 25741868, with internal and published modifications).

NM_004924.6(ACTN4):c.819+9C>G

Gene: ACTN4 (actinin alpha 4; plus strand). Cytogenetic location: 19q13.2.
Variant type: single nucleotide variant.
Coding change: c.819+9C>G on transcript NM_004924.6 (MANE Select); 9 bases into the intron after coding-DNA position 819, C replaced by G.
Molecular consequence: intron variant.
Genome position (GRCh38, 1-based): chr19:38,710,351, C>G. VCF-style: chr19-38710351-C-G. GRCh37 (hg19) VCF-style: chr19-39200991-C-G.
Other names: c.733+875C>G (NM_001411143.1, NM_001322033.2).
Identifiers: ClinVar variation 3045759 (VCV003045759.2), dbSNP rs1419824835, ClinGen allele CA2576773816.